The following is an entry in ClinVar:

ClinVar aggregate classification (germline): Pathogenic. Review status: criteria provided, multiple submitters, no conflicts (2 of 4 stars). 8 submissions from 8 submitters: Pathogenic (5). 3 of the submissions do not count toward it. Last evaluated 2025-07-11.

Conditions:
Meckel-Gruber syndrome. Also called: DYSENCEPHALIA SPLANCHNOCYSTICA; GRUBER SYNDROME; Dysencephalia splachnocystica. Identifiers: Orphanet 564, MedGen C0265215, MONDO:0018921.
Joubert syndrome. Also called: CEREBELLOPARENCHYMAL DISORDER IV; JOUBERT-BOLTSHAUSER SYNDROME; Familial aplasia of the vermis. Identifiers: Orphanet 475, MedGen C5979921, MONDO:0018772.
Nephronophthisis. Also called: Juvenile Nephronophthisis. Identifiers: Orphanet 655, MedGen C0687120, MONDO:0019005, HP:0000090.
Senior-Loken syndrome 6 (SLSN6). Identifiers: Orphanet 3156, MedGen C1857779, MONDO:0012433, OMIM 610189.
Bardet-Biedl syndrome 14 (BBS14). Identifiers: Orphanet 110, MedGen C2673874, MONDO:0014442, OMIM 615991.
Leber congenital amaurosis 10 (LCA10). Identifiers: Orphanet 65, MedGen C1857821, MONDO:0012723, OMIM 611755.
Meckel syndrome, type 4 (MKS4). Also called: MECKEL-GRUBER SYNDROME, TYPE 4. Identifiers: Orphanet 564, MedGen C1970161, MONDO:0012626, OMIM 611134.
Joubert syndrome 5 (JBTS5). Identifiers: Orphanet 2318, MedGen C1857780, MONDO:0012432, OMIM 610188.
CEP290-related ciliopathy. Also called: CEP290 ciliopathy. Identifiers: MedGen CN305601, MONDO:0100451.
Leber congenital amaurosis (LCA). Also called: Leber's amaurosis. Identifiers: Orphanet 65, MedGen C0339527, MeSH D057130, MONDO:0018998.

Submissions (8):

Myriad Genetics, Inc.
Classification: Pathogenic for CEP290-related ciliopathy. Last evaluated: 2025-07-11. Review status: criteria provided, single submitter. Criteria: Myriad Autosomal Dominant, Autosomal Recessive and X-Linked Classification Criteria (2023). Collection method: clinical testing. Allele origin: unknown.
Comment: NM_025114.3(CEP290):c.1419_1423del5(I474Rfs*5) is a frameshift variant classified as pathogenic in the context of CEP290-related disorders. I474Rfs*5 has been observed in a case with relevant disease (PMID: 17617513). Relevant functional assessments of this variant are not available in the literature. I474Rfs*5 has been observed in referenced population frequency databases. In summary, NM_025114.3(CEP290):c.1419_1423del5(I474Rfs*5) is a frameshift variant in a gene where loss of function is a known mechanism of disease, is predicted to disrupt protein function, and has been observed more frequently in cases with the relevant disease than in healthy populations. Please note: this variant was assessed in the context of healthy population screening.

Baylor Genetics
Classification: Pathogenic for Bardet-Biedl syndrome 14. Last evaluated: 2024-03-16. Review status: criteria provided, single submitter. Criteria: ACMG Guidelines, 2015. Collection method: clinical testing. Allele origin: unknown.

Fulgent Genetics
Classification: Pathogenic for Joubert syndrome 5; Senior-Loken syndrome 6; Meckel syndrome, type 4; Leber congenital amaurosis 10; Bardet-Biedl syndrome 14. Last evaluated: 2024-02-27. Review status: criteria provided, single submitter. Criteria: ACMG Guidelines, 2015. Collection method: clinical testing. Allele origin: germline.

Labcorp Genetics (formerly Invitae), Labcorp
Classification: Pathogenic for Joubert syndrome; Meckel-Gruber syndrome; Nephronophthisis. Last evaluated: 2023-10-03. Review status: criteria provided, single submitter. Criteria: Invitae Variant Classification Sherloc (09022015). Collection method: clinical testing. Allele origin: germline.
Comment: This sequence change creates a premature translational stop signal (p.Ile474Argfs*5) in the CEP290 gene. It is expected to result in an absent or disrupted protein product. Loss-of-function variants in CEP290 are known to be pathogenic (PMID: 16909394, 17345604, 20690115). This variant is present in population databases (rs771266705, gnomAD no frequency). This premature translational stop signal has been observed in individual(s) with Senior-Løken syndrome (PMID: 17617513). ClinVar contains an entry for this variant (Variation ID: 522742). For these reasons, this variant has been classified as Pathogenic.

Genomic Research Center, Shahid Beheshti University of Medical Sciences
Classification: Pathogenic for Bardet-Biedl syndrome 14. Last evaluated: 2017-12-03. Review status: criteria provided, single submitter. Criteria: ACMG Guidelines, 2015. Collection method: clinical testing. Allele origin: inherited.

Natera, Inc.
Classification: Pathogenic for Leber congenital amaurosis. Last evaluated: 2021-05-06. Review status: no assertion criteria provided. Collection method: clinical testing. Allele origin: germline. Not counted in ClinVar's aggregate classification.

Clinical Genetics DNA and cytogenetics Diagnostics Lab, Erasmus MC, Erasmus Medical Center
Classification: Pathogenic. Review status: no assertion criteria provided. Collection method: clinical testing. Allele origin: germline. Affected: yes. Study: VKGL Data-share Consensus. Not counted in ClinVar's aggregate classification.

Genome Diagnostics Laboratory, Amsterdam University Medical Center
Classification: Pathogenic. Review status: no assertion criteria provided. Collection method: clinical testing. Allele origin: germline. Affected: yes. Study: VKGL Data-share Consensus. Not counted in ClinVar's aggregate classification.

Literature cited by the submitters: PubMed 17617513 (cited by Myriad Genetics, Inc. and Labcorp Genetics (formerly Invitae), Labcorp); PubMed 16909394 (cited by Labcorp Genetics (formerly Invitae), Labcorp); PubMed 17345604 (cited by Labcorp Genetics (formerly Invitae), Labcorp); PubMed 20690115 (cited by Labcorp Genetics (formerly Invitae), Labcorp).

NM_025114.4(CEP290):c.1419_1423del (p.Ile474fs)

Gene: CEP290 (centrosomal protein 290; minus strand). Cytogenetic location: 12q21.32.
Variant type: Deletion.
Coding change: c.1419_1423del on transcript NM_025114.4 (MANE Select); coding-DNA positions 1419 to 1423, 5 bases deleted (AATAA; older notation c.1419_1423delAATAA).
Protein change: p.Ile474fs; shifts the reading frame from isoleucine 474.
Molecular consequence: frameshift variant.
Genome position (GRCh38, 1-based): chr12:88,120,213-88,120,217, TTATT deleted on the plus strand (AATAA on the coding strand, the reverse complement: CEP290 is on the minus strand); deleting any 5 consecutive bases within chr12:88,120,213-88,120,220 gives the same sequence; the c. name uses the placement nearest the transcript's 3' end. VCF-style (leftmost placement, unchanged base first): chr12-88120212-CTTATT-C. GRCh37 (hg19) VCF-style: chr12-88513989-CTTATT-C.
Other names: short protein forms I474fs.
Identifiers: ClinVar variation 522742 (VCV000522742.17), dbSNP rs771266705, ClinGen allele CA6712556.